The following is an entry in ClinVar:

ClinVar aggregate classification (germline): Uncertain significance (1 of 4 stars; one submission).

Submission:

Labcorp Genetics (formerly Invitae), Labcorp
Classification: Uncertain significance. Last evaluated: 2021-09-23. Review status: criteria provided, single submitter. Criteria: Invitae Variant Classification Sherloc (09022015). Collection method: clinical testing. Allele origin: germline.
Comment: This variant has not been reported in the literature in individuals affected with BACH2-related conditions. This variant is not present in population databases (ExAC no frequency). This sequence change replaces proline with serine at codon 810 of the BACH2 protein (p.Pro810Ser). The proline residue is moderately conserved and there is a moderate physicochemical difference between proline and serine. In summary, the available evidence is currently insufficient to determine the role of this variant in disease. Therefore, it has been classified as a Variant of Uncertain Significance. Algorithms developed to predict the effect of missense changes on protein structure and function output the following: SIFT: "Tolerated"; PolyPhen-2: "Benign"; Align-GVGD: "Class C0". The serine amino acid residue is found in multiple mammalian species, which suggests that this missense change does not adversely affect protein function.

NM_021813.4(BACH2):c.2428C>T (p.Pro810Ser)

Gene: BACH2 (BACH transcriptional regulator 2; minus strand). Cytogenetic location: 6q15.
Variant type: single nucleotide variant.
Coding change: c.2428C>T on transcript NM_021813.4 (MANE Select); coding-DNA position 2428, C replaced by T.
Protein change: p.Pro810Ser; replaces proline 810 with serine.
Molecular consequence: missense variant.
Genome position (GRCh38, 1-based): chr6:89,932,506, G>A on the plus strand (C>T on the coding strand, the complement: BACH2 is on the minus strand). VCF-style: chr6-89932506-G-A. GRCh37 (hg19) VCF-style: chr6-90642225-G-A.
Other names: c.2428C>T, p.Pro810Ser (NM_001170794.2); short protein forms P810S.
Identifiers: ClinVar variation 1502841 (VCV001502841.6), dbSNP rs2128352317, ClinGen allele CA365026878.